The following is an entry in ClinVar:

NM_015338.6(ASXL1):c.625T>C (p.Ser209Pro)

Gene: ASXL1 (ASXL transcriptional regulator 1; plus strand). Cytogenetic location: 20q11.21.
Variant type: single nucleotide variant.
Coding change: c.625T>C on transcript NM_015338.6 (MANE Select); coding-DNA position 625, T replaced by C.
Protein change: p.Ser209Pro; replaces serine 209 with proline.
Molecular consequence: missense variant. On other transcripts: intron variant (1).
Genome position (GRCh38, 1-based): chr20:32,429,960, T>C. VCF-style: chr20-32429960-T-C. GRCh37 (hg19) VCF-style: chr20-31017763-T-C.
Other names: c.535+529T>C (NM_001363734.1); short protein forms S209P.
Identifiers: ClinVar variation 3956417 (VCV003956417.1).

ClinVar aggregate classification (germline): Uncertain significance (1 of 4 stars; one submission).

Conditions:
Inborn genetic diseases. Identifiers: MedGen C0950123, MeSH D030342.

gnomAD v4.1: 3 of 1,608,860 alleles (0.00019%); highest among the groups gnomAD compares: Non-Finnish European, 0.00025%; no homozygotes.

Submission:

Ambry Genetics
Classification: Uncertain significance for Inborn genetic diseases. Last evaluated: 2025-04-21. Review status: criteria provided, single submitter. Criteria: Ambry Variant Classification Scheme 2023. Collection method: clinical testing. Allele origin: germline.
Comment: The p.S209P variant (also known as c.625T>C), located in coding exon 8 of the ASXL1 gene, results from a T to C substitution at nucleotide position 625. The serine at codon 209 is replaced by proline, an amino acid with similar properties. This amino acid position is conserved. In addition, this alteration is predicted to be tolerated by in silico analysis. Based on the available evidence, the clinical significance of this variant remains unclear.